The following is an entry in ClinVar:

NM_002303.6(LEPR):c.1825G>C (p.Val609Leu)

Gene: LEPR (leptin receptor; plus strand). Cytogenetic location: 1p31.3.
Variant type: single nucleotide variant.
Coding change: c.1825G>C on transcript NM_002303.6 (MANE Select); coding-DNA position 1825, G replaced by C.
Protein change: p.Val609Leu; replaces valine 609 with leucine.
Molecular consequence: missense variant.
Genome position (GRCh38, 1-based): chr1:65,610,019, G>C. VCF-style: chr1-65610019-G-C. GRCh37 (hg19) VCF-style: chr1-66075702-G-C.
Other names: c.1825G>C, p.Val609Leu (NM_001003679.3, NM_001003680.3, NM_001198687.2 and 2 more transcripts); short protein forms V609L.
Identifiers: ClinVar variation 4991872 (VCV004991872.1).
Genomic context (GRCh38, chr1:65,610,019, plus strand): 5'-TATGATGCAAAATCAAAATCTGTCAGTCTCCCAGTTCCAGACTTGTGTGCAGTCTATGCT[G>C]TTCAGGTGCGCTGTAAGAGGCTAGATGGACTGGGATATTGGAGTAATTGGAGCAATCCAG-3'
Protein context (NP_002294.2, residues 599-619): PVPDLCAVYA[Val609Leu]QVRCKRLDGL

ClinVar aggregate classification (germline): Uncertain significance (1 of 4 stars; one submission).

Conditions:
LEPR-related disorder. Also called: LEPR-related condition; LEPR-related disorders.

gnomAD v4.1: 1 of 1,614,218 alleles (0.000062%); highest among the groups gnomAD compares: Non-Finnish European, 0.000085%; no homozygotes.

Submission:

PreventionGenetics, part of Exact Sciences
Classification: Uncertain significance for LEPR-related condition. Last evaluated: 2025-10-10. Review status: criteria provided, single submitter. Criteria: ACMG Guidelines, 2015. Collection method: clinical testing. Allele origin: germline.
Comment: The LEPR c.1825G>C variant is predicted to result in the amino acid substitution p.Val609Leu. To our knowledge, this variant has not been reported in the literature or in a large population database (gnomAD), indicating this variant is rare. At this time, the clinical significance of this variant is uncertain due to the absence of conclusive functional and genetic evidence.